The following is an entry in ClinVar:

ClinVar aggregate classification (germline): Pathogenic/Likely pathogenic. Review status: criteria provided, multiple submitters, no conflicts (2 of 4 stars). 10 submissions from 10 submitters: Pathogenic (7); Likely pathogenic (2). 1 of the submissions does not count toward it. Last evaluated 2026-10-05.

Conditions:
Cardiovascular phenotype. Identifiers: MedGen CN230736.
Haemorrhagic telangiectasia 1.
Telangiectasia, hereditary hemorrhagic, type 1 (HHT1). Also called: Osler Weber Rendu syndrome type 1; ENG-Related Hereditary Hemorrhagic Telangiectasia. Identifiers: Orphanet 774, MedGen C4551861, MONDO:0008535, OMIM 187300. Disease mechanism: loss of function.
Hereditary hemorrhagic telangiectasia (HHT). Also called: ORW DISEASE; Osler Weber Rendu syndrome; OSLER-RENDU-WEBER DISEASE; Osler hemorrhagic telangiectasia syndrome. Identifiers: Orphanet 774, MedGen C0039445, MONDO:0019180. Disease mechanism: loss of function.

Allele frequency attached by ClinVar (database versions not stated): gnomAD exomes below 0.00001; TOPMed 0.00001; ESP Exome Variant Server 0.00008; ExAC 0.00001.

Submissions (10):

GeneDx
Classification: Likely pathogenic. Last evaluated: 2026-10-05. Review status: criteria provided, single submitter. Criteria: GeneDx Variant Classification Process June 2021. Collection method: clinical testing. Allele origin: germline.
Comment: Canonical splice site variant predicted to result in an in-frame loss of the adjacent exon in a gene for which loss of function is a known mechanism of disease; Not observed at significant frequency in large population cohorts (gnomAD); This variant is associated with the following publications: (PMID: 25525159, 25637381, 16752392)

Labcorp Genetics (formerly Invitae), Labcorp
Classification: Pathogenic for Hereditary hemorrhagic telangiectasia. Last evaluated: 2025-11-05. Review status: criteria provided, single submitter. Criteria: Invitae Variant Classification Sherloc (09022015). Collection method: clinical testing. Allele origin: germline.
Comment: This sequence change affects an acceptor splice site in intron 9 of the ENG gene. It is expected to disrupt RNA splicing. Variants that disrupt the donor or acceptor splice site typically lead to a loss of protein function (PMID: 16199547), and loss-of-function variants in ENG are known to be pathogenic (PMID: 15879500). This variant is present in population databases (rs373842615, gnomAD 0.0009%). Disruption of this splice site has been observed in individuals with ENG-related disease (PMID: 16752392; internal data). ClinVar contains an entry for this variant (Variation ID: 162498). Algorithms developed to predict the effect of sequence changes on RNA splicing suggest that this variant may disrupt the consensus splice site. For these reasons, this variant has been classified as Pathogenic.

Mayo Clinic Laboratories, Mayo Clinic
Classification: Pathogenic. Last evaluated: 2025-06-16. Review status: criteria provided, single submitter. Criteria: ACMG Guidelines, 2015. Collection method: clinical testing. Allele origin: germline. Observed: 2 variant alleles.
Comment: PP4, PM2_supporting, PS4_supporting, PVS1_strong

Fulgent Genetics
Classification: Likely pathogenic for Telangiectasia, hereditary hemorrhagic, type 1. Last evaluated: 2024-06-14. Review status: criteria provided, single submitter. Criteria: ACMG Guidelines, 2015. Collection method: clinical testing. Allele origin: germline.

Ambry Genetics
Classification: Pathogenic for Cardiovascular phenotype. Last evaluated: 2024-02-13. Review status: criteria provided, single submitter. Criteria: Ambry Variant Classification Scheme 2023. Collection method: clinical testing. Allele origin: germline.
Comment: The c.1273-2A>G intronic variant results from an A to G substitution two nucleotides before coding exon 10 of the ENG gene. Alterations that disrupt the canonical splice site are expected to cause aberrant splicing, resulting in an abnormal protein or a transcript that is subject to nonsense-mediated mRNA decay; however, direct evidence is unavailable. The exact functional effect of the altered amino acid sequence is unknown. Based on data from gnomAD, the G allele has an overall frequency of <0.001% (1/238470) total alleles studied. The highest observed frequency was 0.001% (1/107270) of European (non-Finnish) alleles. This variant has been described in patients meeting diagnostic criteria for hereditary hemorrhagic telangiectasia (HHT) (Bossler, 2006; Ambry internal data). This nucleotide position is highly conserved in available vertebrate species. In silico splice site analysis predicts that this alteration will weaken the native splice acceptor site. Based on the available evidence, this alteration is classified as pathogenic.

Impact Genetics, Dynacare/LabCorp
Classification: Pathogenic for Telangiectasia, hereditary hemorrhagic, type 1. Last evaluated: 2024-01-17. Review status: criteria provided, single submitter. Criteria: DeMille et al. (Hum Mutat. 2024). Collection method: clinical testing. Allele origin: germline.
Comment: PVS1, PM2_supporting, PP3, PM4_supporting

Daryl Scott Lab, Baylor College of Medicine
Classification: Pathogenic for Telangiectasia, hereditary hemorrhagic, type 1. Last evaluated: 2024-01-01. Review status: criteria provided, single submitter. Criteria: ACMG Guidelines, 2015. Collection method: clinical testing. Allele origin: maternal. Affected: yes. Observed: 1 heterozygote.
Comment: PVS1, PS4, PM2

Baylor Genetics
Classification: Pathogenic for Telangiectasia, hereditary hemorrhagic, type 1. Last evaluated: 2017-09-01. Review status: criteria provided, single submitter. Criteria: ACMG Guidelines, 2015. Collection method: clinical testing. Allele origin: maternal. Inheritance: Autosomal dominant inheritance. Affected: yes.

ARUP Laboratories, Molecular Genetics and Genomics, ARUP Laboratories
Classification: Pathogenic. Last evaluated: 2017-03-08. Review status: criteria provided, single submitter. Criteria: ARUP Molecular Germline Variant Investigation Process. Collection method: clinical testing. Allele origin: germline.

CSER _CC_NCGL, University of Washington
Classification: Pathogenic for Haemorrhagic telangiectasia 1. Last evaluated: 2014-06-01. Review status: no assertion criteria provided. Collection method: research. Allele origin: germline. Inheritance: Autosomal dominant inheritance. Study: ESP 6500 variant annotation. Not counted in ClinVar's aggregate classification.
Comment: Variants classified for the Actionable exomic incidental findings in 6503 participants: challenges of variant classification manuscript

Literature cited by the submitters: PubMed 16199547 (cited by Labcorp Genetics (formerly Invitae), Labcorp and Impact Genetics, Dynacare/LabCorp); PubMed 15879500 (cited by Labcorp Genetics (formerly Invitae), Labcorp and Impact Genetics, Dynacare/LabCorp); PubMed 16752392 (cited by 5 submitters); PubMed 25637381 (cited by Mayo Clinic Laboratories, Mayo Clinic); PubMed 25326635 (cited by Baylor Genetics).

NM_001114753.3(ENG):c.1273-2A>G

Genes: ENG (endoglin; minus strand), LOC102723566 (uncharacterized LOC102723566; plus strand). Cytogenetic location: 9q34.11.
Variant type: single nucleotide variant.
Coding change: c.1273-2A>G on transcript NM_001114753.3 (MANE Select); the canonical splice acceptor site of the intron before coding-DNA position 1273, A replaced by G.
Molecular consequence: splice acceptor variant.
Genome position (GRCh38, 1-based): chr9:127,819,662, T>C on the plus strand (A>G on the coding strand, the complement: ENG is on the minus strand). VCF-style: chr9-127819662-T-C. GRCh37 (hg19) VCF-style: chr9-130581941-T-C.
Other names: c.1273-2A>G (NM_000118.4, NM_001114753.2, NM_001114753.1); c.727-2A>G (NM_001278138.2).
Identifiers: ClinVar variation 162498 (VCV000162498.32), dbSNP rs373842615, ClinGen allele CA211924.